The following is an entry in ClinVar:

ClinVar aggregate classification (germline): Pathogenic (1 of 4 stars; one submission).

Submission:

Labcorp Genetics (formerly Invitae), Labcorp
Classification: Pathogenic. Last evaluated: 2022-07-11. Review status: criteria provided, single submitter. Criteria: Invitae Variant Classification Sherloc (09022015). Collection method: clinical testing. Allele origin: germline.
Comment: This sequence change creates a premature translational stop signal (p.Gln2328*) in the LAMA1 gene. It is expected to result in an absent or disrupted protein product. Loss-of-function variants in LAMA1 are known to be pathogenic (PMID: 25105227, 26932191). This variant is not present in population databases (gnomAD no frequency). This variant has not been reported in the literature in individuals affected with LAMA1-related conditions. For these reasons, this variant has been classified as Pathogenic. Algorithms developed to predict the effect of sequence changes on RNA splicing suggest that this variant may disrupt the consensus splice site.

Literature cited by the submitters: PubMed 25105227; PubMed 26932191.

NM_005559.4(LAMA1):c.6982C>T (p.Gln2328Ter)

Gene: LAMA1 (laminin subunit alpha 1; minus strand). Cytogenetic location: 18p11.31.
Variant type: single nucleotide variant.
Coding change: c.6982C>T on transcript NM_005559.4 (MANE Select); coding-DNA position 6982, C replaced by T.
Protein change: p.Gln2328Ter; replaces glutamine 2328 with a stop codon.
Molecular consequence: nonsense.
Genome position (GRCh38, 1-based): chr18:6,966,215, G>A on the plus strand (C>T on the coding strand, the complement: LAMA1 is on the minus strand). VCF-style: chr18-6966215-G-A. GRCh37 (hg19) VCF-style: chr18-6966214-G-A.
Other names: short protein forms Q2328*.
Identifiers: ClinVar variation 2015122 (VCV002015122.4), dbSNP rs2510831266, ClinGen allele CA401827346.